The following is an entry in ClinVar:

ClinVar aggregate classification (germline): Uncertain significance (1 of 4 stars; one submission).

Submission:

GeneDx
Classification: Uncertain significance. Last evaluated: 2023-06-22. Review status: criteria provided, single submitter. Criteria: GeneDx Variant Classification Process June 2021. Collection method: clinical testing. Allele origin: germline. Affected: yes.
Comment: Not observed at significant frequency in large population cohorts (gnomAD); In silico analysis supports that this missense variant does not alter protein structure/function; Has not been previously published as pathogenic or benign to our knowledge

NM_002968.3(SALL1):c.2814C>G (p.Phe938Leu)

Gene: SALL1 (spalt like transcription factor 1; minus strand). Cytogenetic location: 16q12.1.
Variant type: single nucleotide variant.
Coding change: c.2814C>G on transcript NM_002968.3 (MANE Select); coding-DNA position 2814, C replaced by G.
Protein change: p.Phe938Leu; replaces phenylalanine 938 with leucine.
Molecular consequence: missense variant.
Genome position (GRCh38, 1-based): chr16:51,139,408, G>C on the plus strand (C>G on the coding strand, the complement: SALL1 is on the minus strand). VCF-style: chr16-51139408-G-C. GRCh37 (hg19) VCF-style: chr16-51173319-G-C.
Other names: c.2523C>G, p.Phe841Leu (NM_001127892.2); short protein forms F841L, F938L.
Identifiers: ClinVar variation 3360095 (VCV003360095.1).